The following is an entry in ClinVar:

NM_015631.6(TCTN3):c.309C>G (p.Cys103Trp)

Gene: TCTN3 (tectonic family member 3; minus strand). Cytogenetic location: 10q24.1.
Variant type: single nucleotide variant.
Coding change: c.309C>G on transcript NM_015631.6 (MANE Select); coding-DNA position 309, C replaced by G.
Protein change: p.Cys103Trp; replaces cysteine 103 with tryptophan.
Molecular consequence: missense variant.
Genome position (GRCh38, 1-based): chr10:95,693,424, G>C on the plus strand (C>G on the coding strand, the complement: TCTN3 is on the minus strand). VCF-style: chr10-95693424-G-C. GRCh37 (hg19) VCF-style: chr10-97453181-G-C.
Other names: c.309C>G, p.Cys103Trp (NM_001143973.2, NM_001410982.1); short protein forms C103W.
Identifiers: ClinVar variation 4783140 (VCV004783140.1).

ClinVar aggregate classification (germline): Uncertain significance (1 of 4 stars; one submission).

Conditions:
Joubert syndrome 18 (JBTS18). Identifiers: Orphanet 2754, MedGen C3553758, MONDO:0013896, OMIM 614815.
Orofacial-digital syndrome IV (OFD4). Also called: BARAITSER-BURN SYNDROME; OFD SYNDROME WITH TIBIAL DEFECTS; OFD SYNDROME, BARAITSER-BURN TYPE; OFDS IV; ORAL-FACIAL-DIGITAL SYNDROME, TYPE IV; MOHR-MAJEWSKI SYNDROME. Identifiers: Orphanet 2753, MedGen C0406727, MONDO:0009794, OMIM 258860.

gnomAD v4.1: 1 of 1,552,100 alleles (0.000064%); highest among the groups gnomAD compares: Non-Finnish European, 0.000087%; no homozygotes.

Submission:

Labcorp Genetics (formerly Invitae), Labcorp
Classification: Uncertain significance for Joubert syndrome 18; Orofacial-digital syndrome IV. Last evaluated: 2025-06-22. Review status: criteria provided, single submitter. Criteria: Invitae Variant Classification Sherloc (09022015). Collection method: clinical testing. Allele origin: germline.
Comment: This sequence change replaces cysteine, which is neutral and slightly polar, with tryptophan, which is neutral and slightly polar, at codon 103 of the TCTN3 protein (p.Cys103Trp). This variant is not present in population databases (gnomAD no frequency). This variant has not been reported in the literature in individuals affected with TCTN3-related conditions. Invitae Evidence Modeling of protein sequence and biophysical properties (such as structural, functional, and spatial information, amino acid conservation, physicochemical variation, residue mobility, and thermodynamic stability) indicates that this missense variant is expected to disrupt TCTN3 protein function with a positive predictive value of 80%. In summary, the available evidence is currently insufficient to determine the role of this variant in disease. Therefore, it has been classified as a Variant of Uncertain Significance.